The following is an entry in ClinVar:

NM_000062.3(SERPING1):c.494_495insA (p.Asn166fs)

Gene: SERPING1 (serpin family G member 1; plus strand). Cytogenetic location: 11q12.1.
Variant type: Insertion.
Coding change: c.494_495insA on transcript NM_000062.3 (MANE Select); coding-DNA positions 494 to 495, A inserted.
Protein change: p.Asn166fs; shifts the reading frame from asparagine 166.
Molecular consequence: frameshift variant.
Genome position: GRCh38 VCF-style: chr11-57600321-C-CA. GRCh37 (hg19) VCF-style: chr11-57367794-C-CA.
Other names: c.494_495insA, p.Asn166fs (NM_001032295.2); short protein forms N166fs.
Identifiers: ClinVar variation 4727221 (VCV004727221.1).

ClinVar aggregate classification (germline): Pathogenic (1 of 4 stars; one submission).

Submission:

Labcorp Genetics (formerly Invitae), Labcorp
Classification: Pathogenic. Last evaluated: 2025-09-15. Review status: criteria provided, single submitter. Criteria: Invitae Variant Classification Sherloc (09022015). Collection method: clinical testing. Allele origin: germline.
Comment: This sequence change creates a premature translational stop signal (p.Asn166Glnfs*91) in the SERPING1 gene. It is expected to result in an absent or disrupted protein product. Loss-of-function variants in SERPING1 are known to be pathogenic (PMID: 11112899, 24456027). This variant is not present in population databases (gnomAD no frequency). This variant has not been reported in the literature in individuals affected with SERPING1-related conditions. For these reasons, this variant has been classified as Pathogenic.

Literature cited by the submitters: PubMed 11112899; PubMed 24456027.